The following is an entry in ClinVar:

NM_014915.3(ANKRD26):c.2765C>G (p.Ala922Gly)

Gene: ANKRD26 (ankyrin repeat domain containing 26; minus strand). Cytogenetic location: 10p12.1.
Variant type: single nucleotide variant.
Coding change: c.2765C>G on transcript NM_014915.3 (MANE Select); coding-DNA position 2765, C replaced by G.
Protein change: p.Ala922Gly; replaces alanine 922 with glycine.
Molecular consequence: missense variant.
Genome position (GRCh38, 1-based): chr10:27,035,685, G>C on the plus strand (C>G on the coding strand, the complement: ANKRD26 is on the minus strand). VCF-style: chr10-27035685-G-C. GRCh37 (hg19) VCF-style: chr10-27324614-G-C.
Other names: c.2762C>G, p.Ala921Gly (NM_001256053.2); short protein forms A921G, A922G.
Identifiers: ClinVar variation 3912835 (VCV003912835.1).

ClinVar aggregate classification (germline): Uncertain significance (1 of 4 stars; one submission).

Conditions:
Inborn genetic diseases. Identifiers: MedGen C0950123, MeSH D030342.

Submission:

Ambry Genetics
Classification: Uncertain significance for Inborn genetic diseases. Last evaluated: 2025-03-22. Review status: criteria provided, single submitter. Criteria: Ambry Variant Classification Scheme 2023. Collection method: clinical testing. Allele origin: germline.
Comment: The p.A922G variant (also known as c.2765C>G), located in coding exon 24 of the ANKRD26 gene, results from a C to G substitution at nucleotide position 2765. The alanine at codon 922 is replaced by glycine, an amino acid with similar properties. This amino acid position is conserved. In addition, this alteration is predicted to be tolerated by in silico analysis. Based on the available evidence, the clinical significance of this variant remains unclear.